The following is an entry in ClinVar:

ClinVar aggregate classification (germline): Pathogenic (1 of 4 stars; one submission).

Conditions:
Familial hypocalciuric hypercalcemia (FHH). Also called: Familial benign hypercalcemia. Identifiers: Orphanet 405, MedGen C1809471, MONDO:0018458.
Autosomal dominant hypocalcemia 1 (HYPOC1). Also called: HYPOCALCEMIA, FAMILIAL. Identifiers: MedGen C3715128, MONDO:0011013, OMIM 601198.

Allele frequency attached by ClinVar (database versions not stated): gnomAD exomes below 0.00001.
gnomAD v4.1: 1 of 1,613,630 alleles (0.000062%); no homozygotes.

Submission:

Labcorp Genetics (formerly Invitae), Labcorp
Classification: Pathogenic for Familial hypocalciuric hypercalcemia; Autosomal dominant hypocalcemia 1. Last evaluated: 2021-07-05. Review status: criteria provided, single submitter. Criteria: Invitae Variant Classification Sherloc (09022015). Collection method: clinical testing. Allele origin: germline.
Comment: This sequence change affects an acceptor splice site in intron 2 of the CASR gene. RNA analysis indicates that this variant induces altered splicing and may result in an absent or disrupted protein product. This variant is not present in population databases (ExAC no frequency). Disruption of this splice site has been observed in individual(s) with clinical features of familial hypocalciuric hypercalcemia (PMID: 11668634). Studies have shown that disruption of this splice site alters mRNA splicing and is expected to lead to the loss of protein expression (PMID: 11668634). For these reasons, this variant has been classified as Pathogenic.

Literature cited by the submitters: PubMed 11668634.

NM_000388.4(CASR):c.186-2A>G

Gene: CASR (calcium sensing receptor; plus strand). Cytogenetic location: 3q21.1.
Variant type: single nucleotide variant.
Coding change: c.186-2A>G on transcript NM_000388.4 (MANE Select); the canonical splice acceptor site of the intron before coding-DNA position 186, A replaced by G.
Molecular consequence: splice acceptor variant.
Genome position (GRCh38, 1-based): chr3:122,257,079, A>G. VCF-style: chr3-122257079-A-G. GRCh37 (hg19) VCF-style: chr3-121975926-A-G.
Other names: c.186-2A>G (NM_001178065.2).
Identifiers: ClinVar variation 1361655 (VCV001361655.6), dbSNP rs1350886416, ClinGen allele CA354362330.